The following is an entry in ClinVar:

NM_206538.4(EMC10):c.289C>T (p.Arg97Ter)

Gene: EMC10 (ER membrane protein complex subunit 10; plus strand). Cytogenetic location: 19q13.33.
Variant type: single nucleotide variant.
Coding change: c.289C>T on transcript NM_206538.4 (MANE Select); coding-DNA position 289, C replaced by T.
Protein change: p.Arg97Ter; replaces arginine 97 with a stop codon.
Molecular consequence: nonsense.
Genome position (GRCh38, 1-based): chr19:50,479,058, C>T. VCF-style: chr19-50479058-C-T. GRCh37 (hg19) VCF-style: chr19-50982315-C-T.
Other names: c.289C>T, p.Arg97Ter (NM_175063.6); c.289C>T (NM_175063.5, NM_206538.2); short protein forms R97*.
Identifiers: ClinVar variation 1324329 (VCV001324329.5), dbSNP rs765552403, ClinGen allele CA9598986.

ClinVar aggregate classification (germline): Pathogenic. Review status: criteria provided, multiple submitters, no conflicts (2 of 4 stars). 3 submissions from 3 submitters: Pathogenic (2). 1 of the submissions does not count toward it. Last evaluated 2024-07-15.

Conditions:
Inborn genetic diseases. Identifiers: MedGen C0950123, MeSH D030342.
Neurodevelopmental disorder with dysmorphic facies and variable seizures (NEDDFAS). Also called: EMC10-Related Neurodevelopmental Disorder. Identifiers: MedGen C5543268, MONDO:0031011, OMIM 619264.

Allele frequency attached by ClinVar (database versions not stated): TOPMed 0.00002; ExAC 0.00004.

Submissions (3):

Ambry Genetics
Classification: Pathogenic for Inborn genetic diseases. Last evaluated: 2024-07-15. Review status: criteria provided, single submitter. Criteria: Ambry Variant Classification Scheme 2023. Collection method: clinical testing. Allele origin: germline.
Comment: The c.289C>T (p.R97*) alteration, located in exon 3 (coding exon 3) of the EMC10 gene, consists of a C to T substitution at nucleotide position 289. This changes the amino acid from a arginine (R) to a stop codon at amino acid position 97. This alteration is expected to result in loss of function by premature protein truncation or nonsense-mediated mRNA decay. Based on data from gnomAD, the T allele has an overall frequency of 0.004% (8/231760) total alleles studied. The highest observed frequency was 0.01% (1/9690) of Ashkenazi Jewish alleles. This variant has been identified in the homozygous state in an individual with features consistent with EMC10-related neurodevelopmental disorder (Kaiyrzhanov, 2022). Based on the available evidence, this alteration is classified as pathogenic.

GeneDx
Classification: Pathogenic. Last evaluated: 2023-08-22. Review status: criteria provided, single submitter. Criteria: GeneDx Variant Classification Process June 2021. Collection method: clinical testing. Allele origin: germline. Affected: yes.
Comment: Nonsense variant predicted to result in protein truncation or nonsense mediated decay in a gene for which loss of function is a known mechanism of disease; This variant is associated with the following publications: (PMID: 35684946)

OMIM
Classification: Pathogenic for NEURODEVELOPMENTAL DISORDER WITH DYSMORPHIC FACIES AND VARIABLE SEIZURES. Last evaluated: 2022-09-06. Review status: no assertion criteria provided. Collection method: literature only. Allele origin: germline. Not counted in ClinVar's aggregate classification.

Literature cited by the submitters: PubMed 35684946 (cited by Ambry Genetics and OMIM).